The following is an entry in ClinVar:

NM_032108.4(SEMA6B):c.2126C>T (p.Thr709Met)

Gene: SEMA6B (semaphorin 6B; minus strand). Cytogenetic location: 19p13.3.
Variant type: single nucleotide variant.
Coding change: c.2126C>T on transcript NM_032108.4 (MANE Select); coding-DNA position 2126, C replaced by T.
Protein change: p.Thr709Met; replaces threonine 709 with methionine.
Molecular consequence: missense variant.
Genome position (GRCh38, 1-based): chr19:4,544,142, G>A on the plus strand (C>T on the coding strand, the complement: SEMA6B is on the minus strand). VCF-style: chr19-4544142-G-A. GRCh37 (hg19) VCF-style: chr19-4544154-G-A.
Other names: c.2126C>T (NM_032108.3); short protein forms T709M.
Identifiers: ClinVar variation 2672736 (VCV002672736.24), dbSNP rs1404160920, ClinGen allele CA403461173.

ClinVar aggregate classification (germline): Uncertain significance. Review status: criteria provided, multiple submitters, no conflicts (2 of 4 stars). 2 submissions from 2 submitters: Uncertain significance (2). Last evaluated 2024-04-11.

Allele frequency attached by ClinVar (database versions not stated): gnomAD exomes below 0.00001.
gnomAD v4.1: 1 of 1,274,940 alleles (0.000078%); highest among the groups gnomAD compares: Non-Finnish European, 0.000099%; no homozygotes.

Submissions (2):

GeneDx
Classification: Uncertain significance. Last evaluated: 2024-04-11. Review status: criteria provided, single submitter. Criteria: GeneDx Variant Classification Process June 2021. Collection method: clinical testing. Allele origin: germline. Affected: yes.
Comment: Not observed at significant frequency in large population cohorts (gnomAD); In silico analysis supports that this missense variant has a deleterious effect on protein structure/function; Has not been previously published as pathogenic or benign to our knowledge

CeGaT Center for Human Genetics Tuebingen
Classification: Uncertain significance. Last evaluated: 2023-11-01. Review status: criteria provided, single submitter. Criteria: CeGaT Center For Human Genetics Tuebingen Variant Classification Criteria Version 2. Collection method: clinical testing. Allele origin: germline. Affected: yes. Observed: 1 variant allele.
Comment: SEMA6B: PM2, PM5:Supporting, PP2